The following is an entry in ClinVar:

NM_002016.2(FLG):c.1369C>T (p.Arg457Trp)

Genes: CCDST (cervical cancer associated DHX9 suppressive transcript; plus strand), FLG (filaggrin; minus strand). Cytogenetic location: 1q21.3.
Variant type: single nucleotide variant.
Coding change: c.1369C>T on transcript NM_002016.2 (MANE Select); coding-DNA position 1369, C replaced by T.
Protein change: p.Arg457Trp; replaces arginine 457 with tryptophan.
Molecular consequence: missense variant. On other transcripts: non-coding transcript variant (1).
Genome position (GRCh38, 1-based): chr1:152,313,517, G>A on the plus strand (C>T on the coding strand, the complement: FLG is on the minus strand). VCF-style: chr1-152313517-G-A. GRCh37 (hg19) VCF-style: chr1-152285993-G-A.
Other names: short protein forms R457W.
Identifiers: ClinVar variation 2572219 (VCV002572219.2), dbSNP rs144697557, ClinGen allele CA1107670.

ClinVar aggregate classification (germline): Uncertain significance. Review status: criteria provided, multiple submitters, no conflicts (2 of 4 stars). 2 submissions from 2 submitters: Uncertain significance (2). Last evaluated 2023-05-15.

Conditions:
Inborn genetic diseases. Identifiers: MedGen C0950123, MeSH D030342.

Allele frequency attached by ClinVar (database versions not stated): 1000 Genomes Project 0.00020; 1000 Genomes Project 30x 0.00031; ExAC 0.00033; ESP Exome Variant Server 0.00038; gnomAD 0.00045; TOPMed 0.00058.
gnomAD v4.1: 585 of 1,613,858 alleles (0.036%); highest among the groups gnomAD compares: African/African-American, 0.052%; 1 homozygote.

Submissions (2):

Greenwood Genetic Center Diagnostic Laboratories, Greenwood Genetic Center
Classification: Uncertain significance. Last evaluated: 2023-05-15. Review status: criteria provided, single submitter. Criteria: ACMG Guidelines, 2015. Collection method: clinical testing. Allele origin: germline. Affected: yes.
Comment: PM3, BP4

Ambry Genetics
Classification: Uncertain significance for Inborn genetic diseases. Last evaluated: 2021-09-28. Review status: criteria provided, single submitter. Criteria: Ambry Variant Classification Scheme 2023. Collection method: clinical testing. Allele origin: germline.